The following is an entry in ClinVar:

ClinVar aggregate classification (germline): Likely benign (0 of 4 stars; one submission).

Conditions:
C9orf72-related disorder. Also called: C9orf72-related condition.

Allele frequency attached by ClinVar (database versions not stated): TOPMed 0.00004; gnomAD 0.00005.
gnomAD v4.1: 82 of 1,605,922 alleles (0.0051%); highest among the groups gnomAD compares: Admixed American, 0.01%; no homozygotes.

Submission:

PreventionGenetics, part of Exact Sciences
Classification: Likely benign for C9orf72-related condition. Last evaluated: 2020-05-07. Review status: no assertion criteria provided. Collection method: clinical testing. Allele origin: germline.
Comment: This variant is classified as likely benign based on ACMG/AMP sequence variant interpretation guidelines (Richards et al. 2015 PMID: 25741868, with internal and published modifications).

NM_018325.5(C9orf72):c.468G>C (p.Lys156Asn)

Gene: C9orf72 (C9orf72-SMCR8 complex subunit; minus strand). Cytogenetic location: 9p21.2.
Variant type: single nucleotide variant.
Coding change: c.468G>C on transcript NM_018325.5 (MANE Select); coding-DNA position 468, G replaced by C.
Protein change: p.Lys156Asn; replaces lysine 156 with asparagine.
Molecular consequence: missense variant.
Genome position (GRCh38, 1-based): chr9:27,565,567, C>G on the plus strand (G>C on the coding strand, the complement: C9orf72 is on the minus strand). VCF-style: chr9-27565567-C-G. GRCh37 (hg19) VCF-style: chr9-27565565-C-G.
Other names: c.468G>C, p.Lys156Asn (NM_001256054.3, NM_145005.7); short protein forms K156N.
Identifiers: ClinVar variation 3054781 (VCV003054781.2), dbSNP rs770077991, ClinGen allele CA5017968.